The following is an entry in ClinVar:

NM_006343.3(MERTK):c.190A>G (p.Met64Val)

Gene: MERTK (MER proto-oncogene, tyrosine kinase; plus strand). Cytogenetic location: 2q13.
Variant type: single nucleotide variant.
Coding change: c.190A>G on transcript NM_006343.3 (MANE Select); coding-DNA position 190, A replaced by G.
Protein change: p.Met64Val; replaces methionine 64 with valine.
Molecular consequence: missense variant.
Genome position (GRCh38, 1-based): chr2:111,929,248, A>G. VCF-style: chr2-111929248-A-G. GRCh37 (hg19) VCF-style: chr2-112686825-A-G.
Other names: short protein forms M64V.
Identifiers: ClinVar variation 1351655 (VCV001351655.6), dbSNP rs1382285568, ClinGen allele CA348226109.

ClinVar aggregate classification (germline): Uncertain significance (1 of 4 stars; one submission).

Allele frequency attached by ClinVar (database versions not stated): gnomAD exomes 0.00001 and 0.00002; TOPMed 0.00001.
gnomAD v4.1: 8 of 1,614,184 alleles (0.0005%); highest among the groups gnomAD compares: Admixed American, 0.013%; no homozygotes.

Submission:

Labcorp Genetics (formerly Invitae), Labcorp
Classification: Uncertain significance. Last evaluated: 2022-03-10. Review status: criteria provided, single submitter. Criteria: Invitae Variant Classification Sherloc (09022015). Collection method: clinical testing. Allele origin: germline.
Comment: In summary, the available evidence is currently insufficient to determine the role of this variant in disease. Therefore, it has been classified as a Variant of Uncertain Significance. Algorithms developed to predict the effect of missense changes on protein structure and function output the following: SIFT: "Tolerated"; PolyPhen-2: "Benign"; Align-GVGD: "Class C0". The valine amino acid residue is found in multiple mammalian species, which suggests that this missense change does not adversely affect protein function. This variant has not been reported in the literature in individuals affected with MERTK-related conditions. This variant is present in population databases (no rsID available, gnomAD 0.01%). This sequence change replaces methionine, which is neutral and non-polar, with valine, which is neutral and non-polar, at codon 64 of the MERTK protein (p.Met64Val).